The following is an entry in ClinVar:

NM_002074.5(GNB1):c.233A>G (p.Lys78Arg)

Gene: GNB1 (G protein subunit beta 1; minus strand). Cytogenetic location: 1p36.33.
Variant type: single nucleotide variant.
Coding change: c.233A>G on transcript NM_002074.5 (MANE Select); coding-DNA position 233, A replaced by G.
Protein change: p.Lys78Arg; replaces lysine 78 with arginine.
Molecular consequence: missense variant. On other transcripts: 5 prime UTR variant (1).
Genome position (GRCh38, 1-based): chr1:1,806,509, T>C on the plus strand (A>G on the coding strand, the complement: GNB1 is on the minus strand). VCF-style: chr1-1806509-T-C. GRCh37 (hg19) VCF-style: chr1-1737948-T-C.
Other names: c.-68A>G (NM_001282538.2); c.233A>G, p.Lys78Arg (NM_001282539.2); short protein forms K78R.
Identifiers: ClinVar variation 224714 (VCV000224714.67), dbSNP rs869312823, ClinGen allele CA353582.

ClinVar aggregate classification (germline): Pathogenic/Likely pathogenic. Review status: criteria provided, multiple submitters, no conflicts (2 of 4 stars). 18 submissions from 18 submitters: Pathogenic (12); Likely pathogenic (1). 5 of the submissions do not count toward it. Last evaluated 2026-01-26.

Conditions:
GNB1-related disorder. Also called: GNB1-related condition.
Seizure. Also called: Seizures. Identifiers: MedGen C0036572, HP:0001250.
Hypotonia. Also called: poor muscle tone; Muscular hypotonia. Identifiers: MedGen C0026827, HP:0001252.
Neurodevelopmental Disability.
Feeding difficulties. Also called: Poor feeding. Identifiers: MedGen C0232466, HP:0011968.
EEG with generalized epileptiform discharges. Identifiers: MedGen C4023476, HP:0011198.
Floppy infant. Also called: Infantile muscular hypotonia. Identifiers: MedGen C1860834, HP:0008947.
Global developmental delay (DD). Also called: Cognitive delay. Identifiers: MedGen C0557874, HP:0001263. Disease mechanism: loss of function.
Growth delay. Also called: Growth retardation. Identifiers: MedGen C0456070, HP:0001510.
Strabismus. Identifiers: MedGen C0038379, MONDO:0003432, HP:0000486.
Intellectual developmental disorder, autosomal dominant 42. Also called: GNB1 Encephalopathy; Intellectual disability, autosomal dominant 42; Global developmental delay-neuro-ophthalmological abnormalities-seizures-intellectual disability syndrome. Identifiers: Orphanet 488613, MedGen C4310774, MONDO:0014855, OMIM 616973.
Inborn genetic diseases. Identifiers: MedGen C0950123, MeSH D030342.

Submissions 1 to 12 of 18:

3billion
Classification: Pathogenic for Intellectual developmental disorder, autosomal dominant 42. Last evaluated: 2026-01-26. Review status: criteria provided, single submitter. Criteria: ACMG Guidelines, 2015. Collection method: clinical testing. Allele origin: germline. Affected: yes.
Comment: The variant is not observed in the gnomAD v4.1.0 dataset. Predicted Consequence/Location: The variant is located in a mutational hot spot and/or well-established functional domain in which established pathogenic variants have been reported. Missense variant. Missense changes are a common disease-causing mechanism. In silico tool prediction suggests damaging effect of the variant on gene or gene product [3Cnet: 0.81 (> 0.75, sensitivity 0.96 and precision 0.92)]. The same nucleotide change resulting in the same amino acid change has been previously reported as pathogenic/likely pathogenic with strong evidence (ClinVar ID: VCV000224714 /PMID: 27108799 /3billion dataset). The variant has been previously reported as de novo in a similarly affected individual (PMID: 27108799). The variant has been previously reported as assumed (i.e. paternity and maternity not confirmed) de novo in at least one similarly affected unrelated individual (3billion dataset). Therefore, this variant is classified as Pathogenic according to the recommendation of ACMG/AMP guideline.

Variantyx, Inc.
Classification: Pathogenic for Intellectual developmental disorder, autosomal dominant 42. Last evaluated: 2025-09-11. Review status: criteria provided, single submitter. Criteria: Variantyx Assertion Criteria 2022. Collection method: clinical testing. Allele origin: germline. Inheritance: Autosomal dominant inheritance. Affected: yes.
Comment: This is a nonsynonymous variant in the GNB1 gene (OMIM: 139380). Pathogenic variants in this gene have been associated with autosomal dominant intellectual developmental disorder 42. This variant has been reported in at least one affected individual(s) (PMID: 35253369) (PS4). Computational algorithms produce conflicting evidence regarding the predicted functional impact of this variant (REVEL score: 0.309), but functional studies have shown that this variant alters GNB1 protein function (PMID: 37275776, 36405774) (PS3). This variant lies within a known hotspot for pathogenic variants or a well-established critical functional domain of the GNB1 protein (PM1). This variant is absent from control populations (PM2). . Based on the current evidence, this variant is classified as pathogenic for autosomal dominant intellectual developmental disorder 42.

Labcorp Genetics (formerly Invitae), Labcorp
Classification: Pathogenic. Last evaluated: 2025-09-02. Review status: criteria provided, single submitter. Criteria: Invitae Variant Classification Sherloc (09022015). Collection method: clinical testing. Allele origin: germline.
Comment: This sequence change replaces lysine, which is basic and polar, with arginine, which is basic and polar, at codon 78 of the GNB1 protein (p.Lys78Arg). This variant is not present in population databases (gnomAD no frequency). This missense change has been observed in individual(s) with GNB1-related conditions (PMID: 27108799, 30194818, 35253369). In at least one individual the variant was observed to be de novo. ClinVar contains an entry for this variant (Variation ID: 224714). Invitae Evidence Modeling of protein sequence and biophysical properties (such as structural, functional, and spatial information, amino acid conservation, physicochemical variation, residue mobility, and thermodynamic stability) indicates that this missense variant is not expected to disrupt GNB1 protein function with a negative predictive value of 80%. Experimental studies have shown that this missense change affects GNB1 function (PMID: 36405774). For these reasons, this variant has been classified as Pathogenic.

Center of Human Genetics, Hôpital Erasme
Classification: Pathogenic for Intellectual developmental disorder, autosomal dominant 42. Last evaluated: 2025-01-01. Review status: criteria provided, single submitter. Criteria: ACMG Guidelines, 2015. Collection method: clinical testing. Allele origin: unknown. Affected: yes.

Greenwood Genetic Center Diagnostic Laboratories, Greenwood Genetic Center
Classification: Pathogenic for Intellectual developmental disorder, autosomal dominant 42. Last evaluated: 2024-03-28. Review status: criteria provided, single submitter. Criteria: ACMG Guidelines, 2015. Collection method: clinical testing. Allele origin: germline. Affected: yes.
Comment: PS2_Very Strong, PS4, PM1, PM2, PM6, PP2

Illumina Laboratory Services, Illumina
Classification: Pathogenic for Intellectual developmental disorder, autosomal dominant 42. Last evaluated: 2023-03-20. Review status: criteria provided, single submitter. Criteria: ICSLVariantClassificationCriteria RUGD 01 April 2020. Collection method: clinical testing. Allele origin: unknown.
Comment: The GNB1 c.233A>G (p.Lys78Arg) missense variant results in the substitution of lysine at amino acid position 78 with arginine. This variant has been reported in a heterozygous state in three individuals with a neurodevelopmental phenotype (PMID: 27108799; PMID: 30194818; PMID: 35253369). In all three individuals the variant was reported to have occurred in a de novo state. The c.233A>G variant is not found in version 2.1.1 or version 3.1.2 of the Genome Aggregation Database. A heterozygous knock-in Gnb1 K78R mouse model recapitulates features of disease observed in patients including a reduced growth rate, developmental delay, motor and cognitive deficits, and absence-like generalized seizures (PMID: 36405774; DOI 10.1101/697235). The c.233A>G variant lies within an established mutational hotspot within exon 6 which encodes a region at the G-beta subunit1 surface which interacts with G-alpha subunits and downstream effectors (PMID: 30194818). This variant was identified in a de novo state. Based on the available evidence, the c.233A>G (p.Lys78Arg) variant is classified as pathogenic for intellectual developmental disorder.

GeneDx
Classification: Pathogenic. Last evaluated: 2023-02-27. Review status: criteria provided, single submitter. Criteria: GeneDx Variant Classification Process June 2021. Collection method: clinical testing. Allele origin: germline. Affected: yes.
Comment: Not observed in large population cohorts (gnomAD); In silico analysis supports that this missense variant has a deleterious effect on protein structure/function; This variant is associated with the following publications: (PMID: 27108799, 30194818, 35253369, 32918542, 34522861, 36405774, 34646230)

Blueprint Genetics
Classification: Pathogenic for GNB1-related disorders. Last evaluated: 2022-12-23. Review status: criteria provided, single submitter. Criteria: ACMG Guidelines, 2015. Collection method: clinical testing. Allele origin: germline. Affected: yes. Observed: 1 variant allele.

Genetics Laboratory, UDIAT-Centre Diagnòstic, Hospital Universitari Parc Tauli
Classification: Pathogenic. Last evaluated: 2022-10-04. Review status: criteria provided, single submitter. Criteria: Parc Tauli Hospital Assertion Criteria 2021. Collection method: clinical testing. Allele origin: de novo. Inheritance: Autosomal dominant inheritance. Affected: yes.
Comment: PS4;PM1;PM2_supporting;PM6;PP2;PP3

Baylor Genetics
Classification: Pathogenic for Intellectual developmental disorder, autosomal dominant 42. Last evaluated: 2019-09-27. Review status: criteria provided, single submitter. Criteria: ACMG Guidelines, 2015. Collection method: clinical testing. Allele origin: de novo. Affected: yes.
Comment: This variant was determined to be pathogenic according to ACMG Guidelines, 2015 [PMID:25741868]. This variant has been previously reported as pathogenic [PMID: 27108799, ClinVar ID: 224714]

Institute of Human Genetics, University of Leipzig Medical Center
Classification: Pathogenic for Intellectual developmental disorder, autosomal dominant 42. Last evaluated: 2019-07-02. Review status: criteria provided, single submitter. Criteria: ACMG Guidelines, 2015. Collection method: clinical testing. Allele origin: de novo. Affected: yes. Observed: 1 variant allele.
Comment: This variant was identified as de novo (maternity and paternity confirmed).

CeGaT Center for Human Genetics Tuebingen
Classification: Pathogenic. Last evaluated: 2019-06-01. Review status: criteria provided, single submitter. Criteria: CeGaT Center For Human Genetics Tuebingen Variant Classification Criteria Version 2. Collection method: clinical testing. Allele origin: germline. Affected: yes. Observed: 3 variant alleles.